The following is an entry in ClinVar:

NM_000744.7(CHRNA4):c.384-9C>T

Gene: CHRNA4 (cholinergic receptor nicotinic alpha 4 subunit; minus strand). Cytogenetic location: 20q13.33.
Variant type: single nucleotide variant.
Coding change: c.384-9C>T on transcript NM_000744.7 (MANE Select); 9 bases into the intron before coding-DNA position 384, C replaced by T.
Molecular consequence: intron variant.
Genome position (GRCh38, 1-based): chr20:63,351,036, G>A on the plus strand (C>T on the coding strand, the complement: CHRNA4 is on the minus strand). VCF-style: chr20-63351036-G-A. GRCh37 (hg19) VCF-style: chr20-61982388-G-A.
Other names: c.-145-9C>T (NM_001256573.2).
Identifiers: ClinVar variation 377672 (VCV000377672.15), dbSNP rs199992800, ClinGen allele CA9957812.
Genomic context (GRCh38, chr20:63,351,036, plus strand): 5'-ATGGAACAGGTGGGCCTTGGTCAGGTGGGTGACCGCGAAGTCCCCGTCAGCACTGGGCAG[G>A]AAGAGAGCGAAGGGTGTGAGACCCCCACATCCATGCCCACGTCCACACCCACGCCCACTG-3'

ClinVar aggregate classification (germline): Likely benign. Review status: criteria provided, multiple submitters, no conflicts (2 of 4 stars). 3 submissions from 3 submitters: Likely benign (2). 1 of the submissions does not count toward it. Last evaluated 2025-10-20.

Conditions:
CHRNA4-related disorder. Also called: CHRNA4-related condition.
Familial sleep-related hypermotor epilepsy. Also called: Autosomal Dominant Sleep-Related Hypermotor (Hyperkinetic) Epilepsy. Identifiers: Orphanet 98784, MedGen C3696898, MONDO:0000030.

Allele frequency attached by ClinVar (database versions not stated): gnomAD 0.00026 and 0.00030; ExAC 0.00005; ESP Exome Variant Server 0.00031; gnomAD exomes 0.00002 and 0.00005; TOPMed 0.00034.
gnomAD v4.1: 68 of 1,609,780 alleles (0.0042%); highest among the groups gnomAD compares: African/African-American, 0.081%; no homozygotes.

Submissions (3):

Labcorp Genetics (formerly Invitae), Labcorp
Classification: Likely benign. Last evaluated: 2025-10-20. Review status: criteria provided, single submitter. Criteria: Invitae Variant Classification Sherloc (09022015). Collection method: clinical testing. Allele origin: germline.

GeneDx
Classification: Likely benign. Last evaluated: 2020-02-18. Review status: criteria provided, single submitter. Criteria: GeneDx Variant Classification Process June 2021. Collection method: clinical testing. Allele origin: germline. Affected: yes.

PreventionGenetics, part of Exact Sciences
Classification: Likely benign for CHRNA4-related condition. Last evaluated: 2019-02-24. Review status: no assertion criteria provided. Collection method: clinical testing. Allele origin: germline. Not counted in ClinVar's aggregate classification.
Comment: This variant is classified as likely benign based on ACMG/AMP sequence variant interpretation guidelines (Richards et al. 2015 PMID: 25741868, with internal and published modifications).